The following is an entry in ClinVar:

ClinVar aggregate classification (germline): Benign/Likely benign. Review status: criteria provided, multiple submitters, no conflicts (2 of 4 stars). 3 submissions from 3 submitters: Benign (1); Likely benign (2). Last evaluated 2026-06-01.

Allele frequency attached by ClinVar (database versions not stated): gnomAD exomes 0.00041 and 0.00152; gnomAD 0.00056 and 0.00074; TOPMed 0.00092; ExAC 0.00130; 1000 Genomes Project 30x 0.00437; 1000 Genomes Project 0.00439.
gnomAD v4.1: 765 of 1,613,984 alleles (0.047%); highest among the groups gnomAD compares: East Asian, 1.3%; 5 homozygotes.

Submissions (3):

CeGaT Center for Human Genetics Tuebingen
Classification: Likely benign. Last evaluated: 2026-06-01. Review status: criteria provided, single submitter. Criteria: CeGaT Center For Human Genetics Tuebingen Variant Classification Criteria Version 2. Collection method: clinical testing. Allele origin: germline. Affected: yes. Observed: 1 variant allele.
Comment: FAT1: BS1

Labcorp Genetics (formerly Invitae), Labcorp
Classification: Benign. Last evaluated: 2025-11-26. Review status: criteria provided, single submitter. Criteria: Invitae Variant Classification Sherloc (09022015). Collection method: clinical testing. Allele origin: germline.

GeneDx
Classification: Likely benign. Last evaluated: 2020-09-28. Review status: criteria provided, single submitter. Criteria: GeneDx Variant Classification Process June 2021. Collection method: clinical testing. Allele origin: germline. Affected: yes.
Comment: See Variant Classification Assertion Criteria.

NM_005245.4(FAT1):c.13652C>G (p.Ala4551Gly)

Genes: FAT1 (FAT atypical cadherin 1; minus strand), LOC126807253 (BRD4-independent group 4 enhancer GRCh37_chr4:187509297-187510496; plus strand). Cytogenetic location: 4q35.2.
Variant type: single nucleotide variant.
Coding change: c.13652C>G on transcript NM_005245.4 (MANE Select); coding-DNA position 13652, C replaced by G.
Protein change: p.Ala4551Gly; replaces alanine 4551 with glycine.
Molecular consequence: missense variant.
Genome position (GRCh38, 1-based): chr4:186,588,707, G>C on the plus strand (C>G on the coding strand, the complement: FAT1 is on the minus strand). VCF-style: chr4-186588707-G-C. GRCh37 (hg19) VCF-style: chr4-187509861-G-C.
Other names: short protein forms A4551G.
Identifiers: ClinVar variation 782813 (VCV000782813.13), dbSNP rs148468016, ClinGen allele CA3164479.